The following is an entry in ClinVar:

ClinVar aggregate classification (germline): Uncertain significance. Review status: criteria provided, multiple submitters, no conflicts (2 of 4 stars). 2 submissions from 2 submitters: Uncertain significance (2). Last evaluated 2024-10-16.

Allele frequency attached by ClinVar (database versions not stated): gnomAD 0.00003; ExAC 0.00008; TOPMed 0.00011; 1000 Genomes Project 30x 0.00031.
gnomAD v4.1: 61 of 1,547,754 alleles (0.0039%); highest among the groups gnomAD compares: Middle Eastern, 0.046%; 1 homozygote.

Submissions (2):

Labcorp Genetics (formerly Invitae), Labcorp
Classification: Uncertain significance. Last evaluated: 2024-10-16. Review status: criteria provided, single submitter. Criteria: Invitae Variant Classification Sherloc (09022015). Collection method: clinical testing. Allele origin: germline.
Comment: This sequence change replaces threonine, which is neutral and polar, with methionine, which is neutral and non-polar, at codon 32 of the TSEN34 protein (p.Thr32Met). This variant is present in population databases (rs770199288, gnomAD 0.05%). This variant has not been reported in the literature in individuals affected with TSEN34-related conditions. ClinVar contains an entry for this variant (Variation ID: 452390). An algorithm developed to predict the effect of missense changes on protein structure and function (PolyPhen-2) suggests that this variant is likely to be tolerated. In summary, the available evidence is currently insufficient to determine the role of this variant in disease. Therefore, it has been classified as a Variant of Uncertain Significance.

GeneDx
Classification: Uncertain significance. Last evaluated: 2017-09-29. Review status: criteria provided, single submitter. Criteria: GeneDx Variant Classification (06012015). Collection method: clinical testing. Allele origin: germline. Affected: yes.
Comment: A variant of uncertain significance has been identified in the TSEN34 gene. The T32M variant has not been published as a pathogenic variant, nor has it been reported as a benign variant to our knowledge. The T32M variant is observed in 13/24774 (0.05%) alleles from individuals of Lation background (Lek et al., 2016). The T32M variant is a non-conservative amino acid substitution, which is likely to impact secondary protein structure as these residues differ in polarity, charge, size and/or other properties. However, this substitution occurs at a position that is not conserved, and in silico analysis predicts this variant likely does not alter the protein structure/function. Therefore, based on the currently available information, it is unclear whether this variant is a pathogenic variant or a rare benign variant.

NM_001077446.4(TSEN34):c.95C>T (p.Thr32Met)

Gene: TSEN34 (tRNA splicing endonuclease subunit 34; plus strand). Cytogenetic location: 19q13.42.
Variant type: single nucleotide variant.
Coding change: c.95C>T on transcript NM_001077446.4 (MANE Select); coding-DNA position 95, C replaced by T.
Protein change: p.Thr32Met; replaces threonine 32 with methionine.
Molecular consequence: missense variant.
Genome position (GRCh38, 1-based): chr19:54,191,459, C>T. VCF-style: chr19-54191459-C-T. GRCh37 (hg19) VCF-style: chr19-54695310-C-T.
Other names: c.95C>T, p.Thr32Met (NM_001282332.2, NM_001282333.2, NM_001386740.1 and 1 more transcripts); short protein forms T32M.
Identifiers: ClinVar variation 452390 (VCV000452390.5), dbSNP rs770199288, ClinGen allele CA309372796.